The following is an entry in ClinVar:

ClinVar aggregate classification (germline): Likely benign (0 of 4 stars; one submission).

Conditions:
GNAS-related disorder. Identifiers: MedGen CN380105.

Submission:

PreventionGenetics, part of Exact Sciences
Classification: Likely benign for GNAS-related condition. Last evaluated: 2021-03-23. Review status: no assertion criteria provided. Collection method: clinical testing. Allele origin: germline.
Comment: This variant is classified as likely benign based on ACMG/AMP sequence variant interpretation guidelines (Richards et al. 2015 PMID: 25741868, with internal and published modifications).

NM_000516.7(GNAS):c.21T>C (p.Ser7=)

Gene: GNAS (GNAS complex locus; plus strand). Cytogenetic location: 20q13.32.
Variant type: single nucleotide variant.
Coding change: c.21T>C on transcript NM_000516.7 (MANE Select); coding-DNA position 21, T replaced by C.
Protein change: p.Ser7=; no amino-acid change (serine 7 retained).
Molecular consequence: synonymous variant. On other transcripts: intron variant (8).
Genome position (GRCh38, 1-based): chr20:58,891,747, T>C. VCF-style: chr20-58891747-T-C. GRCh37 (hg19) VCF-style: chr20-57466802-T-C.
Other names: c.21T>C, p.Ser7= (NM_001077488.5, NM_001077489.4, NM_001309842.2 and 1 more transcripts); c.*43-3865T>C (NM_016592.5); c.44-3865T>C (NM_001410912.1); c.-38-3865T>C (NM_001309861.2); c.*1-3865T>C (NM_001077490.3); c.2069-3865T>C (NM_080425.4, NM_001410913.1); c.*159-3865T>C (NM_001309883.1); c.-39+2394T>C (NM_001309840.2).
Identifiers: ClinVar variation 3042870 (VCV003042870.2), dbSNP rs2516795855, ClinGen allele CA2545983563.